The following is an entry in ClinVar:

NM_000051.4(ATM):c.852A>T (p.Gln284His)

Gene: ATM (ATM serine/threonine kinase; plus strand). Cytogenetic location: 11q22.3.
Variant type: single nucleotide variant.
Coding change: c.852A>T on transcript NM_000051.4 (MANE Select); coding-DNA position 852, A replaced by T.
Protein change: p.Gln284His; replaces glutamine 284 with histidine.
Molecular consequence: missense variant.
Genome position (GRCh38, 1-based): chr11:108,244,977, A>T. VCF-style: chr11-108244977-A-T. GRCh37 (hg19) VCF-style: chr11-108115704-A-T.
Other names: c.852A>T, p.Gln284His (NM_001351834.2); short protein forms Q284H.
Identifiers: ClinVar variation 1017924 (VCV001017924.13), dbSNP rs140367473, ClinGen allele CA382529483.

ClinVar aggregate classification (germline): Conflicting classifications of pathogenicity. Review status: criteria provided, conflicting classifications (1 of 4 stars). 3 submissions from 3 submitters: Uncertain significance (2); Likely benign (1). Last evaluated 2025-05-26.

Conditions:
Hereditary cancer-predisposing syndrome. Also called: Tumor predisposition; Hereditary Cancer Syndrome; Neoplastic Syndromes, Hereditary; Hereditary neoplastic syndrome. Identifiers: Orphanet 140162, MedGen C0027672, MeSH D009386, MONDO:0015356.
Ataxia-telangiectasia syndrome (AT). Also called: Cerebello-oculocutaneous telangiectasia; Immunodeficiency with ataxia telangiectasia; ATAXIA-TELANGIECTASIA, COMPLEMENTATION GROUP A; ATAXIA-TELANGIECTASIA, FRESNO VARIANT; LOUIS-BAR SYNDROME; Ataxia-telangiectasia, complementation group E. Identifiers: Orphanet 100, MedGen C0004135, MONDO:0008840, OMIM 208900.

Submissions (3):

Labcorp Genetics (formerly Invitae), Labcorp
Classification: Uncertain significance for Ataxia-telangiectasia syndrome. Last evaluated: 2025-05-26. Review status: criteria provided, single submitter. Criteria: Invitae Variant Classification Sherloc (09022015). Collection method: clinical testing. Allele origin: germline.
Comment: This sequence change replaces glutamine, which is neutral and polar, with histidine, which is basic and polar, at codon 284 of the ATM protein (p.Gln284His). This variant is not present in population databases (gnomAD no frequency). This variant has not been reported in the literature in individuals affected with ATM-related conditions. ClinVar contains an entry for this variant (Variation ID: 1017924). Invitae Evidence Modeling of protein sequence and biophysical properties (such as structural, functional, and spatial information, amino acid conservation, physicochemical variation, residue mobility, and thermodynamic stability) indicates that this missense variant is not expected to disrupt ATM protein function with a negative predictive value of 95%. In summary, the available evidence is currently insufficient to determine the role of this variant in disease. Therefore, it has been classified as a Variant of Uncertain Significance.

Ambry Genetics
Classification: Likely benign for Hereditary cancer-predisposing syndrome. Last evaluated: 2025-03-26. Review status: criteria provided, single submitter. Criteria: Ambry Variant Classification Scheme 2023. Collection method: clinical testing. Allele origin: germline.

GeneDx
Classification: Uncertain significance. Last evaluated: 2024-09-11. Review status: criteria provided, single submitter. Criteria: GeneDx Variant Classification Process June 2021. Collection method: clinical testing. Allele origin: germline. Affected: yes.
Comment: Not observed at significant frequency in large population cohorts (gnomAD); In silico analysis indicates that this missense variant does not alter protein structure/function; Has not been previously published as pathogenic or benign to our knowledge